The following is an entry in ClinVar:

ClinVar aggregate classification (germline): Conflicting classifications of pathogenicity. Review status: criteria provided, conflicting classifications (1 of 4 stars). 3 submissions from 2 submitters: Uncertain significance (1); Benign (1); Likely benign (1). Last evaluated 2022-05-01.

Conditions:
Generalized epilepsy with febrile seizures plus, type 2 (GEFSP2). Also called: GEFS+, TYPE 2. Identifiers: Orphanet 36387, MedGen C1858673, MONDO:0011461, OMIM 604403.
Migraine, familial hemiplegic, 3. Identifiers: Orphanet 569, MedGen C1864987, MONDO:0012320, OMIM 609634.

Allele frequency attached by ClinVar (database versions not stated): 1000 Genomes Project 30x 0.00125; 1000 Genomes Project 0.00160; gnomAD 0.00168 and 0.00181; TOPMed 0.00220.

Submissions (3):

CeGaT Center for Human Genetics Tuebingen
Classification: Benign. Last evaluated: 2022-05-01. Review status: criteria provided, single submitter. Criteria: CeGaT Center For Human Genetics Tuebingen Variant Classification Criteria Version 2. Collection method: clinical testing. Allele origin: germline. Affected: yes. Observed: 2 variant alleles.
Comment: SCN1A: BS1, BS2

Illumina Laboratory Services, Illumina
Classification: Uncertain significance for Generalized epilepsy with febrile seizures plus, type 2. Last evaluated: 2018-01-12. Review status: criteria provided, single submitter. Criteria: ICSL Variant Classification Criteria 13 December 2019. Collection method: clinical testing. Allele origin: germline.

Illumina Laboratory Services, Illumina
Classification: Likely benign for Migraine, familial hemiplegic, 3. Last evaluated: 2018-01-12. Review status: criteria provided, single submitter. Criteria: ICSL Variant Classification Criteria 13 December 2019. Collection method: clinical testing. Allele origin: germline.
Comment: This variant was observed in the ICSL laboratory as part of a predisposition screen in an ostensibly healthy population. It had not been previously curated by ICSL or reported in the Human Gene Mutation Database (HGMD: prior to June 1st, 2018), and was therefore a candidate for classification through an automated scoring system. Utilizing variant allele frequency, disease prevalence and penetrance estimates, and inheritance mode, an automated score was calculated to assess if this variant is too frequent to cause the disease. Based on the score and internal cut-off values, a variant classified as likely benign is not then subjected to further curation. The score for this variant resulted in a classification of likely benign for this disease.

NM_001165963.4(SCN1A):c.*677G>A

Genes: SCN1A (sodium voltage-gated channel alpha subunit 1; minus strand), LOC102724058 (uncharacterized LOC102724058; plus strand). Cytogenetic location: 2q24.3.
Variant type: single nucleotide variant.
Coding change: c.*677G>A on transcript NM_001165963.4 (MANE Select); 677 bases downstream of the stop codon, G replaced by A.
Molecular consequence: 3 prime UTR variant. On other transcripts: non-coding transcript variant (1).
Genome position (GRCh38, 1-based): chr2:165,990,568, C>T on the plus strand (G>A on the coding strand, the complement: SCN1A is on the minus strand). VCF-style: chr2-165990568-C-T. GRCh37 (hg19) VCF-style: chr2-166847078-C-T.
Other names: c.*677G>A (NM_001165964.3, NM_001202435.3, NM_001353948.2 and 11 more transcripts).
Identifiers: ClinVar variation 894764 (VCV000894764.28), dbSNP rs142037381, ClinGen allele CA59797268.
Genomic context (GRCh38, chr2:165,990,568, plus strand): 5'-CTGGCCTACCCACAAATAATCTACTTGGTCTAGGGGCTGGATTTCGCAAAACAAGATCAA[C>T]AAAGCACCTCCACTTATCACCCAATTACCCCTCCCAGAAATATGGTGAAATTTAAGAATT-3'